The following is an entry in ClinVar:

NM_000245.4(MET):c.553C>G (p.Leu185Val)

Gene: MET (MET proto-oncogene, receptor tyrosine kinase; plus strand). Cytogenetic location: 7q31.2.
Variant type: single nucleotide variant.
Coding change: c.553C>G on transcript NM_000245.4 (MANE Select); coding-DNA position 553, C replaced by G.
Protein change: p.Leu185Val; replaces leucine 185 with valine.
Molecular consequence: missense variant. On other transcripts: intron variant (1).
Genome position (GRCh38, 1-based): chr7:116,699,637, C>G. VCF-style: chr7-116699637-C-G. GRCh37 (hg19) VCF-style: chr7-116339691-C-G.
Other names: c.553C>G, p.Leu185Val (NM_001127500.3, NM_001324401.3); c.-91+27060C>G (NM_001324402.2); short protein forms L185V.
Identifiers: ClinVar variation 454253 (VCV000454253.10), dbSNP rs376097698, ClinGen allele CA368969332.

ClinVar aggregate classification (germline): Uncertain significance (1 of 4 stars; one submission).

Conditions:
Renal cell carcinoma. Identifiers: Orphanet 217071, MedGen C0007134, MeSH D002292, MONDO:0005086, HP:0005584.

Submission:

Labcorp Genetics (formerly Invitae), Labcorp
Classification: Uncertain significance for Renal cell carcinoma. Last evaluated: 2019-03-22. Review status: criteria provided, single submitter. Criteria: Invitae Variant Classification Sherloc (09022015). Collection method: clinical testing. Allele origin: germline.
Comment: This sequence change replaces leucine with valine at codon 185 of the MET protein (p.Leu185Val). The leucine residue is highly conserved and there is a small physicochemical difference between leucine and valine. In summary, this variant has uncertain impact on MET function. The available evidence is currently insufficient to determine its role in disease. Therefore, it has been classified as a Variant of Uncertain Significance. Algorithms developed to predict the effect of missense changes on protein structure and function do not agree on the potential impact of this missense change (SIFT: "Deleterious"; PolyPhen-2: "Probably Damaging"; Align-GVGD: "Class C0"). This variant has not been reported in the literature in individuals with a MET-related disease. This variant is not present in population databases (ExAC no frequency).